The following is an entry in ClinVar:

NM_003846.3(PEX11B):c.275del (p.Asn92fs)

Gene: PEX11B (peroxisomal biogenesis factor 11 beta; minus strand). Cytogenetic location: 1q21.1.
Variant type: Deletion.
Coding change: c.275del on transcript NM_003846.3 (MANE Select); coding-DNA position 275, one base deleted (A; older notation c.275delA).
Protein change: p.Asn92fs; shifts the reading frame from asparagine 92.
Molecular consequence: frameshift variant. On other transcripts: non-coding transcript variant (3).
Genome position (GRCh38, 1-based): chr1:145,916,916, T deleted on the plus strand (A on the coding strand, the reverse complement: PEX11B is on the minus strand); the first of 2 consecutive T bases (chr1:145,916,916-145,916,917); deleting either gives the same sequence. VCF-style (leftmost placement, unchanged base first): chr1-145916915-AT-A. GRCh37 (hg19) VCF-style: chr1-145518171-CA-C.
Other names: c.233del, p.Asn78fs (NM_001184795.1); short protein forms N78fs, N92fs.
Identifiers: ClinVar variation 1705179 (VCV001705179.1), dbSNP rs1553753994, ClinGen allele CA525910958.

ClinVar aggregate classification (germline): Likely pathogenic (1 of 4 stars; one submission).

Conditions:
Peroxisome biogenesis disorder. Identifiers: Orphanet 79189, MedGen C1832200, MONDO:0019234. Disease mechanism: loss of function.

Submission:

Women's Health and Genetics/Laboratory Corporation of America, LabCorp
Classification: Likely pathogenic for Peroxisome biogenesis disorder. Last evaluated: 2022-08-23. Review status: criteria provided, single submitter. Criteria: LabCorp Variant Classification Summary - May 2015. Collection method: clinical testing. Allele origin: germline.
Comment: Variant summary: PEX11B c.275delA (p.Asn92IlefsX42) results in a premature termination codon, predicted to cause a truncation of the encoded protein or absence of the protein due to nonsense mediated decay, which are commonly known mechanisms for disease. Truncations downstream of this position have been observed in patients in HGMD. The variant allele was found at a frequency of 4e-06 in 251492 control chromosomes. To our knowledge, no occurrence of c.275delA in individuals affected with Peroxisome Biogenesis Disorders, Zellweger Syndrome Spectrum and no experimental evidence demonstrating its impact on protein function have been reported. No clinical diagnostic laboratories have submitted clinical-significance assessments for this variant to ClinVar after 2014. Based on the evidence outlined above, the variant was classified as likely pathogenic.